The following is an entry in ClinVar:

ClinVar aggregate classification (germline): Uncertain significance (1 of 4 stars; one submission).

gnomAD v4.1: 2 of 1,613,968 alleles (0.00012%); no homozygotes.

Submission:

Labcorp Genetics (formerly Invitae), Labcorp
Classification: Uncertain significance. Last evaluated: 2024-05-06. Review status: criteria provided, single submitter. Criteria: Invitae Variant Classification Sherloc (09022015). Collection method: clinical testing. Allele origin: germline.
Comment: This sequence change replaces arginine, which is basic and polar, with glycine, which is neutral and non-polar, at codon 3285 of the USH2A protein (p.Arg3285Gly). This variant is not present in population databases (gnomAD no frequency). This variant has not been reported in the literature in individuals affected with USH2A-related conditions. Advanced modeling of protein sequence and biophysical properties (such as structural, functional, and spatial information, amino acid conservation, physicochemical variation, residue mobility, and thermodynamic stability) performed at Invitae indicates that this missense variant is not expected to disrupt USH2A protein function with a negative predictive value of 95%. In summary, the available evidence is currently insufficient to determine the role of this variant in disease. Therefore, it has been classified as a Variant of Uncertain Significance.

NM_206933.4(USH2A):c.9853A>G (p.Arg3285Gly)

Gene: USH2A (usherin; minus strand). Cytogenetic location: 1q41.
Variant type: single nucleotide variant.
Coding change: c.9853A>G on transcript NM_206933.4 (MANE Select); coding-DNA position 9853, A replaced by G.
Protein change: p.Arg3285Gly; replaces arginine 3285 with glycine.
Molecular consequence: missense variant.
Genome position (GRCh38, 1-based): chr1:215,799,012, T>C on the plus strand (A>G on the coding strand, the complement: USH2A is on the minus strand). VCF-style: chr1-215799012-T-C. GRCh37 (hg19) VCF-style: chr1-215972354-T-C.
Other names: short protein forms R3285G.
Identifiers: ClinVar variation 3620136 (VCV003620136.2).